The following is an entry in ClinVar:

NM_001128840.3(CACNA1D):c.6361C>T (p.Pro2121Ser)

Gene: CACNA1D (calcium voltage-gated channel subunit alpha1 D; plus strand). Cytogenetic location: 3p21.1.
Variant type: single nucleotide variant.
Coding change: c.6361C>T on transcript NM_001128840.3 (MANE Select); coding-DNA position 6361, C replaced by T.
Protein change: p.Pro2121Ser; replaces proline 2121 with serine.
Molecular consequence: missense variant.
Genome position (GRCh38, 1-based): chr3:53,811,281, C>T. VCF-style: chr3-53811281-C-T. GRCh37 (hg19) VCF-style: chr3-53845308-C-T.
Other names: c.6421C>T, p.Pro2141Ser (NM_000720.4); c.6289C>T, p.Pro2097Ser (NM_001128839.3); short protein forms P2141S, P2097S, P2121S.
Identifiers: ClinVar variation 1419173 (VCV001419173.6), dbSNP rs148707870, ClinGen allele CA2455435.

ClinVar aggregate classification (germline): Uncertain significance (1 of 4 stars; one submission).

Allele frequency attached by ClinVar (database versions not stated): ExAC 0.00001; gnomAD exomes 0.00002 and 0.00008; gnomAD 0.00003; TOPMed 0.00005; ESP Exome Variant Server 0.00008.
gnomAD v4.1: 119 of 1,613,816 alleles (0.0074%); highest among the groups gnomAD compares: Non-Finnish European, 0.0097%; no homozygotes.

Submission:

Labcorp Genetics (formerly Invitae), Labcorp
Classification: Uncertain significance. Last evaluated: 2025-12-19. Review status: criteria provided, single submitter. Criteria: Invitae Variant Classification Sherloc (09022015). Collection method: clinical testing. Allele origin: germline.
Comment: This sequence change replaces proline, which is neutral and non-polar, with serine, which is neutral and polar, at codon 2141 of the CACNA1D protein (p.Pro2141Ser). This variant is present in population databases (rs148707870, gnomAD 0.02%). This variant has not been reported in the literature in individuals affected with CACNA1D-related conditions. ClinVar contains an entry for this variant (Variation ID: 1419173). An algorithm developed to predict the effect of missense changes on protein structure and function outputs the following: PolyPhen-2: "Benign". The serine amino acid residue is found in multiple mammalian species, which suggests that this missense change does not adversely affect protein function. In summary, the available evidence is currently insufficient to determine the role of this variant in disease. Therefore, it has been classified as a Variant of Uncertain Significance.